The following is an entry in ClinVar:

ClinVar aggregate classification (germline): Pathogenic (1 of 4 stars; one submission).

Submission:

Labcorp Genetics (formerly Invitae), Labcorp
Classification: Pathogenic. Last evaluated: 2019-10-22. Review status: criteria provided, single submitter. Criteria: Invitae Variant Classification Sherloc (09022015). Collection method: clinical testing. Allele origin: germline.
Comment: This variant is a gross deletion of the genomic region encompassing exons 3-33 of the PCDH15 gene. The 5' boundary is likely confined to intron 2. The 3' end of this event is unknown as it extends through the termination codon beyond the assayed region for this gene and may encompass additional genes. While this deletion is not anticipated to result in nonsense mediated decay, it is expected to create a truncated protein product or disrupt mRNA translation. This variant has not been reported in the literature in individuals with PCDH15-related conditions. Sub-genic deletion of exon 3 has been determined to be pathogenic (PMID: 20538994). Therefore, deletions that fully encompass that region are also expected to be pathogenic. For these reasons, this variant has been classified as Pathogenic.

Literature cited by the submitters: PubMed 20538994.

NC_000010.11:g.(?_53806569)_(54528412_?)del

Gene: PCDH15 (protocadherin related 15; minus strand). Cytogenetic location: 10q21.1.
Variant type: Deletion.
Identifiers: ClinVar variation 832155 (VCV000832155.1).